The following is an entry in ClinVar:

ClinVar aggregate classification (germline): Pathogenic. Review status: reviewed by expert panel (3 of 4 stars). 2 submissions from 2 submitters: Pathogenic (1). 1 of the submissions does not count toward it. Last evaluated 2016-09-08.

Conditions:
Breast-ovarian cancer, familial, susceptibility to, 2 (BROVCA2). Also called: BRCA2 Hereditary Breast and Ovarian Cancer. Identifiers: Orphanet 145, MedGen C2675520, MONDO:0012933, OMIM 612555. Disease mechanism: loss of function.

Submissions (2):

Evidence-based Network for the Interpretation of Germline Mutant Alleles (ENIGMA)
Classification: Pathogenic for Breast-ovarian cancer, familial, susceptibility to, 2. Last evaluated: 2016-09-08. Review status: reviewed by expert panel. Criteria: ENIGMA BRCA1/2 Classification Criteria (2015). Collection method: curation. Allele origin: germline.
Comment: Variant allele predicted to encode a truncated non-functional protein.

Breast Cancer Information Core (BIC) (BRCA2)
Classification: Pathogenic for Breast-ovarian cancer, familial 2. Last evaluated: 2002-05-29. Review status: no assertion criteria provided. Collection method: clinical testing. Allele origin: germline. Affected: yes. Observed: 1 variant allele. Not counted in ClinVar's aggregate classification.

NM_000059.4(BRCA2):c.2805_2808del (p.Ala938fs)

Gene: BRCA2 (BRCA2 DNA repair associated; plus strand). Cytogenetic location: 13q13.1.
Variant type: Deletion.
Coding change: c.2805_2808del on transcript NM_000059.4 (MANE Select); coding-DNA positions 2805 to 2808, 4 bases deleted (TAAA; older notation c.2805_2808delTAAA).
Protein change: p.Ala938fs; shifts the reading frame from alanine 938.
Molecular consequence: frameshift variant.
Genome position (GRCh38, 1-based): chr13:32,337,160-32,337,163, TAAA deleted; deleting any 4 consecutive bases within chr13:32,337,159-32,337,163 gives the same sequence; the c. name uses the placement nearest the transcript's 3' end. VCF-style (leftmost placement, unchanged base first): chr13-32337158-GATAA-G. GRCh37 (hg19) VCF-style: chr13-32911295-GATAA-G.
Other names: 3033del4; c.2805_2808delTAAA (NM_000059.3); short protein forms A938fs.
Identifiers: ClinVar variation 51350 (VCV000051350.4), dbSNP rs80359350, ClinGen allele CA016418.